The following is an entry in ClinVar:

ClinVar aggregate classification (germline): Uncertain significance. Review status: criteria provided, multiple submitters, no conflicts (2 of 4 stars). 3 submissions from 3 submitters: Uncertain significance (3). Last evaluated 2025-09-28.

Conditions:
Fanconi anemia (FA). Also called: Fanconi's anemia. Identifiers: Orphanet 84, MedGen C0015625, MeSH D005199, MONDO:0019391.
Inborn genetic diseases. Identifiers: MedGen C0950123, MeSH D030342.

Allele frequency attached by ClinVar (database versions not stated): ExAC 0.00001; gnomAD 0.00001; gnomAD exomes 0.00001; TOPMed 0.00004.
gnomAD v4.1: 9 of 1,486,416 alleles (0.00061%); highest among the groups gnomAD compares: African/African-American, 0.0041%; no homozygotes.

Submissions (3):

Ambry Genetics
Classification: Uncertain significance for Inborn genetic diseases. Last evaluated: 2025-09-28. Review status: criteria provided, single submitter. Criteria: Ambry Variant Classification Scheme 2023. Collection method: clinical testing. Allele origin: germline.

Labcorp Genetics (formerly Invitae), Labcorp
Classification: Uncertain significance for Fanconi anemia. Last evaluated: 2024-10-15. Review status: criteria provided, single submitter. Criteria: Invitae Variant Classification Sherloc (09022015). Collection method: clinical testing. Allele origin: germline.
Comment: This sequence change replaces lysine, which is basic and polar, with asparagine, which is neutral and polar, at codon 451 of the FANCM protein (p.Lys451Asn). This variant is present in population databases (rs771239660, gnomAD 0.007%). This variant has not been reported in the literature in individuals affected with FANCM-related conditions. ClinVar contains an entry for this variant (Variation ID: 1038623). An algorithm developed to predict the effect of missense changes on protein structure and function (PolyPhen-2) suggests that this variant is likely to be tolerated. Algorithms developed to predict the effect of sequence changes on RNA splicing suggest that this variant may disrupt the consensus splice site. In summary, the available evidence is currently insufficient to determine the role of this variant in disease. Therefore, it has been classified as a Variant of Uncertain Significance.

GeneDx
Classification: Uncertain significance. Last evaluated: 2022-07-15. Review status: criteria provided, single submitter. Criteria: GeneDx Variant Classification Process June 2021. Collection method: clinical testing. Allele origin: germline. Affected: yes.
Comment: Not observed at significant frequency in large population cohorts (gnomAD); In silico analysis supports that this missense variant has a deleterious effect on protein structure/function; Has not been previously published as pathogenic or benign to our knowledge; In-silico analysis is inconclusive as to whether the variant alters gene splicing. In the absence of RNA/functional studies, the actual effect of this sequence change is unknown.

NM_020937.4(FANCM):c.1353G>T (p.Lys451Asn)

Gene: FANCM (FA complementation group M; plus strand). Cytogenetic location: 14q21.2.
Variant type: single nucleotide variant.
Coding change: c.1353G>T on transcript NM_020937.4 (MANE Select); coding-DNA position 1353, G replaced by T.
Protein change: p.Lys451Asn; replaces lysine 451 with asparagine.
Molecular consequence: missense variant.
Genome position (GRCh38, 1-based): chr14:45,155,416, G>T. VCF-style: chr14-45155416-G-T. GRCh37 (hg19) VCF-style: chr14-45624619-G-T.
Other names: c.1275G>T, p.Lys425Asn (NM_001308133.2); c.1353G>T, p.Lys451Asn (NM_001308134.2); short protein forms K425N, K451N.
Identifiers: ClinVar variation 1038623 (VCV001038623.9), dbSNP rs771239660, ClinGen allele CA7169023.